The following is an entry in ClinVar:

NM_001367624.2(ZNF469):c.11614C>T (p.Pro3872Ser)

Gene: ZNF469 (zinc finger protein 469; plus strand). Cytogenetic location: 16q24.2.
Variant type: single nucleotide variant.
Coding change: c.11614C>T on transcript NM_001367624.2 (MANE Select); coding-DNA position 11614, C replaced by T.
Protein change: p.Pro3872Ser; replaces proline 3872 with serine.
Molecular consequence: missense variant.
Genome position (GRCh38, 1-based): chr16:88,439,084, C>T. VCF-style: chr16-88439084-C-T. GRCh37 (hg19) VCF-style: chr16-88505492-C-T.
Other names: NM_001127464.1:c.11530C>T; short protein forms P3872S.
Identifiers: ClinVar variation 3987284 (VCV003987284.1).

ClinVar aggregate classification (germline): Uncertain significance (1 of 4 stars; one submission).

Conditions:
Cardiovascular phenotype. Identifiers: MedGen CN230736.

gnomAD v4.1: 5 of 1,550,918 alleles (0.00032%); highest among the groups gnomAD compares: Non-Finnish European, 0.00035%; no homozygotes.

Submission:

Ambry Genetics
Classification: Uncertain significance for Cardiovascular phenotype. Last evaluated: 2025-04-20. Review status: criteria provided, single submitter. Criteria: Ambry Variant Classification Scheme 2023. Collection method: clinical testing. Allele origin: germline.
Comment: The p.P3844S variant (also known as c.11530C>T), located in coding exon 2 of the ZNF469 gene, results from a C to T substitution at nucleotide position 11530. The proline at codon 3844 is replaced by serine, an amino acid with similar properties. This amino acid position is conserved. In addition, this alteration is predicted to be tolerated by in silico analysis. Based on the available evidence, the clinical significance of this variant remains unclear.